The following is an entry in ClinVar:

NM_001308093.3(GATA4):c.1295T>G (p.Val432Gly)

Gene: GATA4 (GATA binding protein 4). Cytogenetic location: 8p23.1.
Variant type: single nucleotide variant.
Coding change: c.1295T>G on transcript NM_001308093.3 (MANE Select); coding-DNA position 1295, T replaced by G.
Protein change: p.Val432Gly; replaces valine 432 with glycine.
Molecular consequence: missense variant.
Genome position (GRCh38, 1-based): chr8:11,758,438, T>G. VCF-style: chr8-11758438-T-G. GRCh37 (hg19) VCF-style: chr8-11615947-T-G.
Other names: c.674T>G, p.Val225Gly (NM_001308094.2, NM_001374273.1); c.548T>G, p.Val183Gly (NM_001374274.1); c.1292T>G, p.Val431Gly (NM_002052.5); short protein forms V431G, V432G, V183G, V225G.
Identifiers: ClinVar variation 942975 (VCV000942975.13), dbSNP rs114944893, ClinGen allele CA4630905.

ClinVar aggregate classification (germline): Conflicting classifications of pathogenicity. Review status: criteria provided, conflicting classifications (1 of 4 stars). 3 submissions from 3 submitters: Uncertain significance (2); Likely benign (1). Last evaluated 2026-02-02.

Conditions:
Atrioventricular septal defect 4 (AVSD4). Identifiers: MedGen C3280781, MONDO:0013747, OMIM 614430.

Allele frequency attached by ClinVar (database versions not stated): gnomAD 0.00002 and 0.00005; TOPMed 0.00002; ExAC 0.00003; gnomAD exomes 0.00003 and 0.00005.
gnomAD v4.1: 80 of 1,614,186 alleles (0.005%); highest among the groups gnomAD compares: East Asian, 0.18%; 1 homozygote.

Submissions (3):

Labcorp Genetics (formerly Invitae), Labcorp
Classification: Uncertain significance for Atrioventricular septal defect 4. Last evaluated: 2026-02-02. Review status: criteria provided, single submitter. Criteria: Invitae Variant Classification Sherloc (09022015). Collection method: clinical testing. Allele origin: germline.
Comment: This sequence change replaces valine, which is neutral and non-polar, with glycine, which is neutral and non-polar, at codon 431 of the GATA4 protein (p.Val431Gly). This variant is present in population databases (rs114944893, gnomAD 0.03%). This missense change has been observed in individual(s) with GATA4-related conditions (PMID: 26490186, 36070930). ClinVar contains an entry for this variant (Variation ID: 942975). Invitae Evidence Modeling of protein sequence and biophysical properties (such as structural, functional, and spatial information, amino acid conservation, physicochemical variation, residue mobility, and thermodynamic stability) has been performed for this missense variant. However, the output from this modeling did not meet the statistical confidence thresholds required to predict the impact of this variant on GATA4 protein function. In summary, the available evidence is currently insufficient to determine the role of this variant in disease. Therefore, it has been classified as a Variant of Uncertain Significance.

GeneDx
Classification: Uncertain significance. Last evaluated: 2023-07-10. Review status: criteria provided, single submitter. Criteria: GeneDx Variant Classification Process June 2021. Collection method: clinical testing. Allele origin: germline. Affected: yes.
Comment: Reported in 2/111 Japanese patients with non-syndromic congenital heart disease but also in 1/200 healthy control individuals in published literature (Yoshida et al., 2016); In silico analysis supports that this missense variant does not alter protein structure/function; This variant is associated with the following publications: (PMID: 26490186)

Blueprint Genetics
Classification: Likely benign. Last evaluated: 2019-11-26. Review status: criteria provided, single submitter. Criteria: ACMG Guidelines, 2015. Collection method: clinical testing. Allele origin: germline.

Literature cited by the submitters: PubMed 26490186 (cited by Labcorp Genetics (formerly Invitae), Labcorp); PubMed 36070930 (cited by Labcorp Genetics (formerly Invitae), Labcorp).